The following is an entry in ClinVar:

NM_000038.6(APC):c.3043G>C (p.Asp1015His)

Gene: APC (APC regulator of Wnt signaling pathway; plus strand). Cytogenetic location: 5q22.2.
Variant type: single nucleotide variant.
Coding change: c.3043G>C on transcript NM_000038.6 (MANE Select); coding-DNA position 3043, G replaced by C.
Protein change: p.Asp1015His; replaces aspartic acid 1015 with histidine.
Molecular consequence: missense variant.
Genome position (GRCh38, 1-based): chr5:112,838,637, G>C. VCF-style: chr5-112838637-G-C. GRCh37 (hg19) VCF-style: chr5-112174334-G-C.
Other names: c.3043G>C, p.Asp1015His (NM_001127510.3, NM_001354895.2); c.2989G>C, p.Asp997His (NM_001127511.3); c.3097G>C, p.Asp1033His (NM_001354896.2); c.3073G>C, p.Asp1025His (NM_001354897.2); c.2968G>C, p.Asp990His (NM_001354898.2); c.2959G>C, p.Asp987His (NM_001354899.2); c.2920G>C, p.Asp974His (NM_001354900.2); c.2866G>C, p.Asp956His (NM_001354901.2); and 5 more; short protein forms D732H, D987H, D990H, D997H, D889H, D914H, D924H, D956H.
Identifiers: ClinVar variation 861344 (VCV000861344.49), dbSNP rs1765322415, ClinGen allele CA16027993.

ClinVar aggregate classification (germline): Uncertain significance (1 of 4 stars; one submission).

Conditions:
Familial adenomatous polyposis 1 (FAP1). Also called: POLYPOSIS, ADENOMATOUS INTESTINAL; FAMILIAL ADENOMATOUS POLYPOSIS 1, ATTENUATED. Identifiers: MedGen C2713442, MONDO:0021056, OMIM 175100. Disease mechanism: loss of function.

Allele frequency attached by ClinVar (database versions not stated): gnomAD exomes below 0.00001.
gnomAD v4.1: 1 of 1,614,074 alleles (0.000062%); highest among the groups gnomAD compares: Non-Finnish European, 0.000085%; no homozygotes.

Submission:

Labcorp Genetics (formerly Invitae), Labcorp
Classification: Uncertain significance for Familial adenomatous polyposis 1. Last evaluated: 2022-09-01. Review status: criteria provided, single submitter. Criteria: Invitae Variant Classification Sherloc (09022015). Collection method: clinical testing. Allele origin: germline.
Comment: In summary, the available evidence is currently insufficient to determine the role of this variant in disease. Therefore, it has been classified as a Variant of Uncertain Significance. Algorithms developed to predict the effect of missense changes on protein structure and function are either unavailable or do not agree on the potential impact of this missense change (SIFT: "Deleterious"; PolyPhen-2: "Possibly Damaging"; Align-GVGD: "Class C0"). ClinVar contains an entry for this variant (Variation ID: 861344). This variant has not been reported in the literature in individuals affected with APC-related conditions. This variant is not present in population databases (gnomAD no frequency). This sequence change replaces aspartic acid, which is acidic and polar, with histidine, which is basic and polar, at codon 1015 of the APC protein (p.Asp1015His).